The following is an entry in ClinVar:

ClinVar aggregate classification (germline): Pathogenic (1 of 4 stars; one submission).

Conditions:
Hereditary spastic paraplegia 11. Also called: Spastic Paraplegia 11; Nakamura Osame syndrome; Autosomal recessive hereditary spastic paraplegia, mental impairment, and thin corpus callosum; SPASTIC PARAPLEGIA, AUTOSOMAL RECESSIVE, COMPLICATED, WITH THIN CORPUS CALLOSUM; SPASTIC PARAPLEGIA, AUTOSOMAL RECESSIVE, WITH MENTAL IMPAIRMENT AND THIN CORPUS CALLOSUM; Spastic paraplegia, mental retardation and thin corpus callosum. Identifiers: Orphanet 2822, MedGen C1858479, MONDO:0011445, OMIM 604360.

Submission:

Labcorp Genetics (formerly Invitae), Labcorp
Classification: Pathogenic for Hereditary spastic paraplegia 11. Last evaluated: 2023-12-28. Review status: criteria provided, single submitter. Criteria: Invitae Variant Classification Sherloc (09022015). Collection method: clinical testing. Allele origin: germline.
Comment: This sequence change creates a premature translational stop signal (p.Glu841Aspfs*11) in the SPG11 gene. It is expected to result in an absent or disrupted protein product. Loss-of-function variants in SPG11 are known to be pathogenic (PMID: 19105190, 20110243, 22154821, 26556829). This variant is present in population databases (rs756786583, gnomAD 0.007%). This variant has not been reported in the literature in individuals affected with SPG11-related conditions. Algorithms developed to predict the effect of sequence changes on RNA splicing suggest that this variant may disrupt the consensus splice site. For these reasons, this variant has been classified as Pathogenic.

Literature cited by the submitters: PubMed 19105190; PubMed 20110243; PubMed 22154821; PubMed 26556829.

NM_025137.4(SPG11):c.2523del (p.Glu841fs)

Gene: SPG11 (SPG11 vesicle trafficking associated, spatacsin; minus strand). Cytogenetic location: 15q21.1.
Variant type: Deletion.
Coding change: c.2523del on transcript NM_025137.4 (MANE Select); coding-DNA position 2523, one base deleted (A; older notation c.2523delA).
Protein change: p.Glu841fs; shifts the reading frame from glutamic acid 841.
Molecular consequence: frameshift variant.
Genome position (GRCh38, 1-based): chr15:44,621,856, T deleted on the plus strand (A on the coding strand, the reverse complement: SPG11 is on the minus strand); the first of 2 consecutive T bases (chr15:44,621,856-44,621,857); deleting either gives the same sequence. VCF-style (leftmost placement, unchanged base first): chr15-44621855-AT-A. GRCh37 (hg19) VCF-style: chr15-44914053-AT-A.
Other names: c.2523del, p.Glu841fs (NM_001160227.2, NM_001411132.1); short protein forms E841fs.
Identifiers: ClinVar variation 3020503 (VCV003020503.3), dbSNP rs756786583, ClinGen allele CA7535216.